The following is an entry in ClinVar:

NM_000540.3(RYR1):c.2682G>A (p.Pro894=)

Gene: RYR1 (ryanodine receptor 1; plus strand). Cytogenetic location: 19q13.2.
Variant type: single nucleotide variant.
Coding change: c.2682G>A on transcript NM_000540.3 (MANE Select); coding-DNA position 2682, G replaced by A.
Protein change: p.Pro894=; no amino-acid change (proline 894 retained).
Molecular consequence: synonymous variant.
Genome position (GRCh38, 1-based): chr19:38,463,527, G>A. VCF-style: chr19-38463527-G-A. GRCh37 (hg19) VCF-style: chr19-38954167-G-A.
Other names: NM_000540.3(RYR1):c.2682G>A; p.Pro894=; c.2682G>A, p.Pro894= (NM_001042723.2).
Identifiers: ClinVar variation 432001 (VCV000432001.16), dbSNP rs919322708, ClinGen allele CA308074289.

ClinVar aggregate classification (germline): Likely pathogenic. Review status: criteria provided, multiple submitters, no conflicts (2 of 4 stars). 5 submissions from 5 submitters: Likely pathogenic (4). 1 of the submissions does not count toward it. Last evaluated 2023-12-19.

Conditions:
RYR1-related disorder. Also called: RYR1-related disorders; RYR1-related condition. Identifiers: MedGen CN239331.
RYR1-related myopathy. Identifiers: Orphanet 98742, MedGen CN305348, MONDO:0100150.
Malignant hyperthermia, susceptibility to, 1 (MHS1). Also called: Anesthesia related hyperthermia; Malignant hyperpyrexia; Fulminating hyperpyrexia; Pharmacogenic myopathy; RYR1-Related Malignant Hyperthermia Susceptibility; Malignant hyperthermia suceptibility 1. Identifiers: Orphanet 423, MedGen C2930980, MONDO:0007783, OMIM 145600.

gnomAD v4.1: 15 of 1,611,254 alleles (0.00093%); highest among the groups gnomAD compares: Non-Finnish European, 0.001%; no homozygotes.

Submissions (5):

Labcorp Genetics (formerly Invitae), Labcorp
Classification: Likely pathogenic for RYR1-related disorder. Last evaluated: 2023-12-19. Review status: criteria provided, single submitter. Criteria: Invitae Variant Classification Sherloc (09022015). Collection method: clinical testing. Allele origin: germline.
Comment: This sequence change affects codon 894 of the RYR1 mRNA. It is a 'silent' change, meaning that it does not change the encoded amino acid sequence of the RYR1 protein. RNA analysis indicates that this variant induces altered splicing and may result in an absent or disrupted protein product. This variant is present in population databases (no rsID available, gnomAD no frequency). This variant has been observed in individuals with clinical features of autosomal recessive RYR1-related conditions (PMID: 30827497). ClinVar contains an entry for this variant (Variation ID: 432001). Variants that disrupt the consensus splice site are a relatively common cause of aberrant splicing (PMID: 17576681, 9536098). Studies have shown that this variant results in activation of a cryptic splice site and introduces a premature termination codon (PMID: 30827497). The resulting mRNA is expected to undergo nonsense-mediated decay. In summary, the currently available evidence indicates that the variant is pathogenic, but additional data are needed to prove that conclusively. Therefore, this variant has been classified as Likely Pathogenic.

PreventionGenetics, part of Exact Sciences
Classification: Likely pathogenic. Last evaluated: 2023-06-23. Review status: criteria provided, single submitter. Criteria: ACMG Guidelines, 2015. Collection method: clinical testing. Allele origin: germline.

GeneDx
Classification: Likely pathogenic. Last evaluated: 2023-04-10. Review status: criteria provided, single submitter. Criteria: GeneDx Variant Classification Process June 2021. Collection method: clinical testing. Allele origin: germline. Affected: yes.
Comment: Identified along with another RYR1 variant in multiple individuals with congenital myopathy or multiminicore disease in published literature; however, phase was not determined and the other variants are not classified as pathogenic (Snoeck et al., 2015; Gonorazky et al., 2019); Not observed at significant frequency in large population cohorts (gnomAD); In silico analysis supports a deleterious effect on splicing; This variant is associated with the following publications: (PMID: 30827497, 25960145, 36131268)

Broad Center for Mendelian Genomics, Broad Institute of MIT and Harvard
Classification: Likely pathogenic for RYR1-related myopathy. Last evaluated: 2023-01-24. Review status: criteria provided, single submitter. Criteria: ACMG Guidelines, 2015. Collection method: curation. Allele origin: germline. Inheritance: Autosomal recessive inheritance.
Comment: The p.Pro894= variant in in RYR1 has been reported in two unrelated individuals with myopathy (PMID: 25960145, PMID: 30827497), segregated with disease in three affected relatives from one families (PMID: 30827497), but has been identified in 0.0004% (1/246042) of chromosomes by the Genome Aggregation Consortium (gnomAD; dbSNP ID: rs919322708). Although this variant has been seen in the general population in a heterozygous state, its frequency is low enough to be consistent with a recessive carrier frequency. The p.Pro894= variant in RYR1 has also been reported in ClinVar (Variation ID: 432001) and has been interpreted as pathogenic by Royal Perth Hospital Neurogenetics Laboratory and as a variant of uncertain significance (VUS) by Invitae. RNAseq analysis performed on affected muscle tissue shows altered splicing at the donor splice site of exon 21 and activation of two alternative cryptic donor splice sites, each of which leading to a frameshift, resulting in an overall 2.1-fold decrease in RYR1 expression in affected tissue versus controls (PMID: 30827497). Computational prediction tools and conservation analyses suggest that this variant may impact the protein, though this information is not predictive enough to determine pathogenicity. In summary, although additional studies are required to fully establish its clinical significance, this variant is likely pathogenic for autosomal recessive centronuclear myopathy. ACMG/AMP Criteria applied: PS3, PM2_Supporting, PP1, PP3 (Richards 2015).

All of Us Research Program, National Institutes of Health
Classification: Uncertain significance for Malignant hyperthermia, susceptibility to, 1. Last evaluated: 2023-05-16. Review status: flagged submission. Criteria: ACMG Guidelines, 2015. Collection method: clinical testing. Allele origin: germline. Inheritance: Autosomal dominant inheritance. Observed: 2 variant alleles, 2 heterozygotes. Not counted in ClinVar's aggregate classification.
Comment: This synonymous variant alters the conserved c.G at the last nucleotide of exon 21 of the RYR1 gene. Splice site prediction tools suggest that this variant may have a significant impact on RNA splicing, this variant is expected to result in an absent or disrupted protein product. This variant has not been reported in individuals affected with malignant hyperthermia susceptibility in the literature. Loss of RYR! function due to haploinsufficiency is not an established disease mechanism for autosomal dominant malignant hyperthermia, although it has been associated with other phenotypes (ClinVar Variation ID: 432001). This variant has been identified in 1/246042 chromosomes in the general population by the Genome Aggregation Database (gnomAD). Due to insufficient evidence, this variant is classified as a Variant of Uncertain Significance for autosomal dominant malignant hyperthermia.

This study involves interpretation of variants in research participants for the purpose of population health screening. Participant phenotype was not available at the time of variant classification. Additional details can be found in publication PMID: 35346344, PMCID: PMC8962531
ClinVar note: Reason: Unnecessary conflicting claim for distinct condition when other classifications are more relevant

Literature cited by the submitters: PubMed 30827497 (cited by Labcorp Genetics (formerly Invitae), Labcorp); PubMed 17576681 (cited by Labcorp Genetics (formerly Invitae), Labcorp); PubMed 9536098 (cited by Labcorp Genetics (formerly Invitae), Labcorp).